The following is an entry in ClinVar:

NM_032808.7(LINGO1):c.1365C>T (p.Ala455=)

Gene: LINGO1 (leucine rich repeat and Ig domain containing 1; minus strand). Cytogenetic location: 15q24.3.
Variant type: single nucleotide variant.
Coding change: c.1365C>T on transcript NM_032808.7 (MANE Select); coding-DNA position 1365, C replaced by T.
Protein change: p.Ala455=; no amino-acid change (alanine 455 retained).
Molecular consequence: synonymous variant.
Genome position (GRCh38, 1-based): chr15:77,614,542, G>A on the plus strand (C>T on the coding strand, the complement: LINGO1 is on the minus strand). VCF-style: chr15-77614542-G-A. GRCh37 (hg19) VCF-style: chr15-77906884-G-A.
Other names: c.1347C>T, p.Ala449= (NM_001301186.2, NM_001301187.2, NM_001301189.2 and 8 more transcripts).
Identifiers: ClinVar variation 2645595 (VCV002645595.24), dbSNP rs2073622195, ClinGen allele CA491507109.
Genomic context (GRCh38, chr15:77,614,542, plus strand): 5'-TGTGAGCCGCCCATTGCTCTTGGCTGAGACCAGGTGCTTTCGGGGTGAGAGCCAGAGGAT[G>A]GCGGGCGGCGGGTCGCCATCGGCCCGGCACACAAACTGCACCGTGTGGCCCTCGTCCACA-3'
Protein context (NP_116197.4, residues 445-465): VCRADGDPPP[Ala455=]ILWLSPRKHL

ClinVar aggregate classification (germline): Likely benign (1 of 4 stars; one submission).

Allele frequency attached by ClinVar (database versions not stated): gnomAD exomes below 0.00001; TOPMed below 0.00001; gnomAD 0.00001.
gnomAD v4.1: 5 of 1,610,162 alleles (0.00031%); highest among the groups gnomAD compares: South Asian, 0.0022%; no homozygotes.

Submission:

CeGaT Center for Human Genetics Tuebingen
Classification: Likely benign. Last evaluated: 2023-02-01. Review status: criteria provided, single submitter. Criteria: CeGaT Center For Human Genetics Tuebingen Variant Classification Criteria Version 2. Collection method: clinical testing. Allele origin: germline. Affected: yes. Observed: 1 variant allele.
Comment: LINGO1: BP4, BP7